The following is an entry in ClinVar:

ClinVar aggregate classification (germline): Uncertain significance. Review status: criteria provided, single submitter (1 of 4 stars). 2 submissions from 2 submitters: Uncertain significance (1). 1 of the submissions does not count toward it. Last evaluated 2025-07-03.

Conditions:
COL4A3-related disorder. Also called: COL4A3-related condition; COL4A3-Related Disorders.

Allele frequency attached by ClinVar (database versions not stated): gnomAD 0.00001; TOPMed 0.00001.
gnomAD v4.1: 11 of 1,606,762 alleles (0.00068%); highest among the groups gnomAD compares: Admixed American, 0.018%; no homozygotes.

Submissions (2):

Women's Health and Genetics/Laboratory Corporation of America, LabCorp
Classification: Uncertain significance. Last evaluated: 2025-07-03. Review status: criteria provided, single submitter. Criteria: LabCorp Variant Classification Summary - May 2015. Collection method: clinical testing. Allele origin: germline.

PreventionGenetics, part of Exact Sciences
Classification: Likely benign for COL4A3-related condition. Last evaluated: 2020-12-09. Review status: no assertion criteria provided. Collection method: clinical testing. Allele origin: germline. Not counted in ClinVar's aggregate classification.
Comment: This variant is classified as likely benign based on ACMG/AMP sequence variant interpretation guidelines (Richards et al. 2015 PMID: 25741868, with internal and published modifications).

NM_000091.5(COL4A3):c.1504+6A>T

Genes: COL4A3 (collagen type IV alpha 3 chain; plus strand), MFF-DT (MFF divergent transcript; minus strand). Cytogenetic location: 2q36.3.
Variant type: single nucleotide variant.
Coding change: c.1504+6A>T on transcript NM_000091.5 (MANE Select); 6 bases into the intron after coding-DNA position 1504, A replaced by T.
Molecular consequence: intron variant.
Genome position (GRCh38, 1-based): chr2:227,267,094, A>T. VCF-style: chr2-227267094-A-T. GRCh37 (hg19) VCF-style: chr2-228131810-A-T.
Identifiers: ClinVar variation 3030686 (VCV003030686.4), dbSNP rs760718271, ClinGen allele CA2146671.